The following is an entry in ClinVar:

NM_001987.5(ETV6):c.844C>T (p.Arg282Trp)

Gene: ETV6 (ETS variant transcription factor 6; plus strand). Cytogenetic location: 12p13.2.
Variant type: single nucleotide variant.
Coding change: c.844C>T on transcript NM_001987.5 (MANE Select); coding-DNA position 844, C replaced by T.
Protein change: p.Arg282Trp; replaces arginine 282 with tryptophan.
Molecular consequence: missense variant.
Genome position (GRCh38, 1-based): chr12:11,869,804, C>T. VCF-style: chr12-11869804-C-T. GRCh37 (hg19) VCF-style: chr12-12022738-C-T.
Other names: c.841C>T, p.Arg281Trp (NM_001413913.1); c.817C>T, p.Arg273Trp (NM_001413914.1); c.580C>T, p.Arg194Trp (NM_001413915.1); c.844C>T, p.Arg282Trp (NM_001413916.1, NM_001413917.1); short protein forms R273W, R282W, R194W, R281W.
Identifiers: ClinVar variation 4020024 (VCV004020024.2).

ClinVar aggregate classification (germline): Uncertain significance. Review status: criteria provided, multiple submitters, no conflicts (2 of 4 stars). 2 submissions from 2 submitters: Uncertain significance (2). Last evaluated 2025-05-26.

Conditions:
Inborn genetic diseases. Identifiers: MedGen C0950123, MeSH D030342.

Submissions (2):

Labcorp Genetics (formerly Invitae), Labcorp
Classification: Uncertain significance. Last evaluated: 2025-05-26. Review status: criteria provided, single submitter. Criteria: Invitae Variant Classification Sherloc (09022015). Collection method: clinical testing. Allele origin: germline.
Comment: This sequence change replaces arginine, which is basic and polar, with tryptophan, which is neutral and slightly polar, at codon 282 of the ETV6 protein (p.Arg282Trp). This variant is present in population databases (rs772622167, gnomAD 0.006%). This variant has not been reported in the literature in individuals affected with ETV6-related conditions. Invitae Evidence Modeling of protein sequence and biophysical properties (such as structural, functional, and spatial information, amino acid conservation, physicochemical variation, residue mobility, and thermodynamic stability) indicates that this missense variant is not expected to disrupt ETV6 protein function with a negative predictive value of 80%. In summary, the available evidence is currently insufficient to determine the role of this variant in disease. Therefore, it has been classified as a Variant of Uncertain Significance.

Ambry Genetics
Classification: Uncertain significance for Inborn genetic diseases. Last evaluated: 2025-05-07. Review status: criteria provided, single submitter. Criteria: Ambry Variant Classification Scheme 2023. Collection method: clinical testing. Allele origin: germline.
Comment: The p.R282W variant (also known as c.844C>T), located in coding exon 5 of the ETV6 gene, results from a C to T substitution at nucleotide position 844. The arginine at codon 282 is replaced by tryptophan, an amino acid with dissimilar properties. This amino acid position is highly conserved in available vertebrate species. In addition, this alteration is predicted to be tolerated by in silico analysis. Based on the available evidence, the clinical significance of this variant remains unclear.